The following is an entry in ClinVar:

ClinVar aggregate classification (germline): Likely benign. Review status: criteria provided, multiple submitters, no conflicts (2 of 4 stars). 3 submissions from 3 submitters: Likely benign (3). Last evaluated 2026-06-18.

Conditions:
Retinoblastoma (RB1). Also called: RETINOBLASTOMA, SOMATIC. Identifiers: Orphanet 790, MedGen C0035335, MeSH D012175, MONDO:0008380, OMIM 180200, HP:0009919. Disease mechanism: loss of function. Inheritance: Both sporadic and heritable forms are tested..

Submissions (3):

Myriad Genetics, Inc.
Classification: Likely benign for Retinoblastoma. Last evaluated: 2026-06-18. Review status: criteria provided, single submitter. Criteria: Myriad Autosomal Dominant, Autosomal Recessive and X-Linked Classification Criteria (2023). Collection method: clinical testing. Allele origin: unknown.
Comment: This variant is considered likely benign. This variant is intronic and is not expected to impact mRNA splicing.

ARUP Laboratories, Molecular Genetics and Genomics, ARUP Laboratories
Classification: Likely benign. Last evaluated: 2025-01-03. Review status: criteria provided, single submitter. Criteria: ARUP Molecular Germline Variant Investigation Process 2024. Collection method: clinical testing. Allele origin: germline.

Labcorp Genetics (formerly Invitae), Labcorp
Classification: Likely benign for Retinoblastoma. Last evaluated: 2021-10-23. Review status: criteria provided, single submitter. Criteria: Invitae Variant Classification Sherloc (09022015). Collection method: clinical testing. Allele origin: germline.

NM_000321.3(RB1):c.940-13T>C

Gene: RB1 (RB transcriptional corepressor 1; plus strand). Cytogenetic location: 13q14.2.
Variant type: single nucleotide variant.
Coding change: c.940-13T>C on transcript NM_000321.3 (MANE Select); 13 bases into the intron before coding-DNA position 940, T replaced by C.
Molecular consequence: intron variant.
Genome position (GRCh38, 1-based): chr13:48,367,481, T>C. VCF-style: chr13-48367481-T-C. GRCh37 (hg19) VCF-style: chr13-48941617-T-C.
Identifiers: ClinVar variation 1541159 (VCV001541159.10), dbSNP rs2138120882, ClinGen allele CA2573149579.